The following is an entry in ClinVar:

ClinVar aggregate classification (germline): Conflicting classifications of pathogenicity. Review status: criteria provided, conflicting classifications (1 of 4 stars). 2 submissions from 2 submitters: Uncertain significance (1); Likely benign (1). Last evaluated 2025-11-01.

Conditions:
Inborn genetic diseases. Identifiers: MedGen C0950123, MeSH D030342.

Allele frequency attached by ClinVar (database versions not stated): ExAC 0.00008; gnomAD exomes 0.00009; gnomAD 0.00010; TOPMed 0.00011; 1000 Genomes Project 30x 0.00016; 1000 Genomes Project 0.00020; ESP Exome Variant Server 0.00031.
gnomAD v4.1: 150 of 1,613,880 alleles (0.0093%); highest among the groups gnomAD compares: Non-Finnish European, 0.012%; no homozygotes.

Submissions (2):

CeGaT Center for Human Genetics Tuebingen
Classification: Likely benign. Last evaluated: 2025-11-01. Review status: criteria provided, single submitter. Criteria: CeGaT Center For Human Genetics Tuebingen Variant Classification Criteria Version 2. Collection method: clinical testing. Allele origin: germline. Affected: yes. Observed: 1 variant allele.
Comment: DSG4: BP4

Ambry Genetics
Classification: Uncertain significance for Inborn genetic diseases. Last evaluated: 2025-05-14. Review status: criteria provided, single submitter. Criteria: Ambry Variant Classification Scheme 2023. Collection method: clinical testing. Allele origin: germline.

NM_177986.5(DSG4):c.3105A>G (p.Ile1035Met)

Genes: DSG1-AS1 (DSG1 antisense RNA 1; minus strand), DSG4 (desmoglein 4; plus strand). Cytogenetic location: 18q12.1.
Variant type: single nucleotide variant.
Coding change: c.3105A>G on transcript NM_177986.5 (MANE Select); coding-DNA position 3105, A replaced by G.
Protein change: p.Ile1035Met; replaces isoleucine 1035 with methionine.
Molecular consequence: missense variant.
Genome position (GRCh38, 1-based): chr18:31,413,577, A>G. VCF-style: chr18-31413577-A-G. GRCh37 (hg19) VCF-style: chr18-28993540-A-G.
Other names: c.3162A>G, p.Ile1054Met (NM_001134453.3); short protein forms I1035M, I1054M.
Identifiers: ClinVar variation 3085974 (VCV003085974.8), dbSNP rs200908109, ClinGen allele CA8927475.